The following is an entry in ClinVar:

NM_017763.6(RNF43):c.771T>C (p.Gly257=)

Gene: RNF43 (ring finger protein 43; minus strand). Cytogenetic location: 17q22.
Variant type: single nucleotide variant.
Coding change: c.771T>C on transcript NM_017763.6 (MANE Select); coding-DNA position 771, T replaced by C.
Protein change: p.Gly257=; no amino-acid change (glycine 257 retained).
Molecular consequence: synonymous variant.
Genome position (GRCh38, 1-based): chr17:58,360,861, A>G on the plus strand (T>C on the coding strand, the complement: RNF43 is on the minus strand). VCF-style: chr17-58360861-A-G. GRCh37 (hg19) VCF-style: chr17-56438222-A-G.
Other names: c.771T>C, p.Gly257= (NM_001305544.3); c.390T>C, p.Gly130= (NM_001305545.2).
Identifiers: ClinVar variation 1543214 (VCV001543214.10), dbSNP rs752467879, ClinGen allele CA8673308.

ClinVar aggregate classification (germline): Benign/Likely benign. Review status: criteria provided, multiple submitters, no conflicts (2 of 4 stars). 3 submissions from 3 submitters: Benign (1); Likely benign (2). Last evaluated 2026-06-30.

Conditions:
Sessile serrated polyposis cancer syndrome (SSPCS). Identifiers: Orphanet 157798, MedGen C4310714, MONDO:0014919, OMIM 617108.

Allele frequency attached by ClinVar (database versions not stated): gnomAD 0.00001; gnomAD exomes 0.00005 and 0.00003; TOPMed 0.00003; ExAC 0.00002.
gnomAD v4.1: 16 of 1,612,126 alleles (0.00099%); highest among the groups gnomAD compares: Admixed American, 0.027%; no homozygotes.

Submissions (3):

Myriad Genetics, Inc.
Classification: Benign for Sessile serrated polyposis cancer syndrome. Last evaluated: 2026-06-30. Review status: criteria provided, single submitter. Criteria: Myriad Autosomal Dominant, Autosomal Recessive and X-Linked Classification Criteria (2023). Collection method: clinical testing. Allele origin: unknown.
Comment: This variant is considered benign. This variant is a silent/synonymous amino acid change and it is not expected to impact splicing.

Ambry Genetics
Classification: Likely benign. Last evaluated: 2024-12-20. Review status: criteria provided, single submitter. Criteria: Ambry Variant Classification Scheme 2023. Collection method: clinical testing. Allele origin: germline.

Labcorp Genetics (formerly Invitae), Labcorp
Classification: Likely benign. Last evaluated: 2024-08-16. Review status: criteria provided, single submitter. Criteria: Invitae Variant Classification Sherloc (09022015). Collection method: clinical testing. Allele origin: germline.